The following is an entry in ClinVar:

ClinVar aggregate classification (germline): Uncertain significance. Review status: criteria provided, multiple submitters, no conflicts (2 of 4 stars). 2 submissions from 2 submitters: Uncertain significance (2). Last evaluated 2023-09-06.

Conditions:
Joubert syndrome 18 (JBTS18). Identifiers: Orphanet 2754, MedGen C3553758, MONDO:0013896, OMIM 614815.
Orofacial-digital syndrome IV (OFD4). Also called: Orofaciodigital syndrome IV; BARAITSER-BURN SYNDROME; MOHR-MAJEWSKI SYNDROME; OFD SYNDROME WITH TIBIAL DEFECTS; OFD SYNDROME, BARAITSER-BURN TYPE; OFDS IV. Identifiers: Orphanet 2753, MedGen C0406727, MONDO:0009794, OMIM 258860.

Allele frequency attached by ClinVar (database versions not stated): gnomAD exomes below 0.00001 and 0.00001; ExAC 0.00001; TOPMed 0.00001.
gnomAD v4.1: 5 of 1,614,124 alleles (0.00031%); highest among the groups gnomAD compares: African/African-American, 0.0027%; no homozygotes.

Submissions (2):

GeneDx
Classification: Uncertain significance. Last evaluated: 2023-09-06. Review status: criteria provided, single submitter. Criteria: GeneDx Variant Classification Process June 2021. Collection method: clinical testing. Allele origin: germline. Affected: yes.
Comment: Not observed at significant frequency in large population cohorts (gnomAD); In silico analysis supports that this missense variant has a deleterious effect on protein structure/function; Has not been previously published as pathogenic or benign to our knowledge

Labcorp Genetics (formerly Invitae), Labcorp
Classification: Uncertain significance for Joubert syndrome 18; Orofacial-digital syndrome IV. Last evaluated: 2021-08-12. Review status: criteria provided, single submitter. Criteria: Invitae Variant Classification Sherloc (09022015). Collection method: clinical testing. Allele origin: germline.
Comment: This sequence change replaces serine with glycine at codon 380 of the TCTN3 protein (p.Ser380Gly). The serine residue is highly conserved and there is a small physicochemical difference between serine and glycine. This variant is present in population databases (rs745968146, ExAC 0.01%). This variant has not been reported in the literature in individuals affected with TCTN3-related conditions. Algorithms developed to predict the effect of missense changes on protein structure and function (SIFT, PolyPhen-2, Align-GVGD) all suggest that this variant is likely to be disruptive. In summary, the available evidence is currently insufficient to determine the role of this variant in disease. Therefore, it has been classified as a Variant of Uncertain Significance.

NM_015631.6(TCTN3):c.1138A>G (p.Ser380Gly)

Gene: TCTN3 (tectonic family member 3; minus strand). Cytogenetic location: 10q24.1.
Variant type: single nucleotide variant.
Coding change: c.1138A>G on transcript NM_015631.6 (MANE Select); coding-DNA position 1138, A replaced by G.
Protein change: p.Ser380Gly; replaces serine 380 with glycine.
Molecular consequence: missense variant.
Genome position (GRCh38, 1-based): chr10:95,683,587, T>C on the plus strand (A>G on the coding strand, the complement: TCTN3 is on the minus strand). VCF-style: chr10-95683587-T-C. GRCh37 (hg19) VCF-style: chr10-97443344-T-C.
Other names: c.694A>G, p.Ser232Gly (NM_001143973.2); c.1138A>G (NM_015631.5); short protein forms S380G, S232G.
Identifiers: ClinVar variation 1506064 (VCV001506064.4), dbSNP rs745968146, ClinGen allele CA5620942.
Genomic context (GRCh38, chr10:95,683,587, plus strand): 5'-AACTTATATCATCAGTCAGAGCCAAGAGTGGCTTCCCAACTATATAGCCAGGATTCCCAC[T>C]TCTAGGACTGGTGAGAGAAGCAGCTGTGCTCTGTTGAAAAGCCTGCAGAAAGAGGGAAGA-3'
Protein context (NP_056446.4, residues 370-390): STAASLTSPR[Ser380Gly]GNPGYIVGKP